The following is an entry in ClinVar:

NM_000075.4(CDK4):c.763C>A (p.Arg255Ser)

Genes: CDK4 (cyclin dependent kinase 4; minus strand), TSPAN31 (tetraspanin 31; plus strand). Cytogenetic location: 12q14.1.
Variant type: single nucleotide variant.
Coding change: c.763C>A on transcript NM_000075.4 (MANE Select); coding-DNA position 763, C replaced by A.
Protein change: p.Arg255Ser; replaces arginine 255 with serine.
Molecular consequence: missense variant. On other transcripts: 3 prime UTR variant (3).
Genome position (GRCh38, 1-based): chr12:57,749,238, G>T on the plus strand (C>A on the coding strand, the complement: CDK4 is on the minus strand). VCF-style: chr12-57749238-G-T. GRCh37 (hg19) VCF-style: chr12-58143021-G-T.
Other names: c.*1948G>T (NM_001330168.2, NM_001330169.2, NM_005981.5); short protein forms R255S.
Identifiers: ClinVar variation 584517 (VCV000584517.2), dbSNP rs587778188, ClinGen allele CA385543276.

ClinVar aggregate classification (germline): Uncertain significance. Review status: criteria provided, multiple submitters, no conflicts (2 of 4 stars). 2 submissions from 2 submitters: Uncertain significance (2). Last evaluated 2024-07-05.

Conditions:
Hereditary cancer-predisposing syndrome. Also called: Neoplastic Syndromes, Hereditary; Hereditary Cancer Syndrome; Tumor predisposition; Hereditary neoplastic syndrome. Identifiers: Orphanet 140162, MedGen C0027672, MeSH D009386, MONDO:0015356.

Submissions (2):

Ambry Genetics
Classification: Uncertain significance for Hereditary cancer-predisposing syndrome. Last evaluated: 2024-07-05. Review status: criteria provided, single submitter. Criteria: Ambry Variant Classification Scheme 2023. Collection method: clinical testing. Allele origin: germline.
Comment: The p.R255S variant (also known as c.763C>A), located in coding exon 6 of the CDK4 gene, results from a C to A substitution at nucleotide position 763. The arginine at codon 255 is replaced by serine, an amino acid with dissimilar properties. This alteration has been reported in 1/1197 individuals from Greece, Romania, and Turkey undergoing evaluation for inherited cancer predisposition (Tsaousis GN et al. BMC Cancer, 2019 Jun;19:535). This amino acid position is not well conserved in available vertebrate species. In addition, this alteration is predicted to be tolerated by in silico analysis. Based on the available evidence, the clinical significance of this variant remains unclear.

GeneKor MSA
Classification: Uncertain significance for Hereditary cancer-predisposing syndrome. Last evaluated: 2018-08-01. Review status: criteria provided, single submitter. Criteria: ACMG Guidelines, 2015. Collection method: clinical testing. Allele origin: germline. Affected: yes.

Literature cited by the submitters: PubMed 31159747 (cited by Ambry Genetics).